The following is an entry in ClinVar:

ClinVar aggregate classification (germline): Uncertain significance. Review status: criteria provided, multiple submitters, no conflicts (2 of 4 stars). 3 submissions from 3 submitters: Uncertain significance (2). 1 of the submissions does not count toward it. Last evaluated 2022-12-01.

Conditions:
Achromatopsia. Also called: Rod monochromatism. Identifiers: Orphanet 49382, MedGen C0152200, MONDO:0018852, HP:0011516.

Allele frequency attached by ClinVar (database versions not stated): gnomAD exomes below 0.00001; ExAC 0.00001; TOPMed 0.00006; gnomAD 0.00007.
gnomAD v4.1: 14 of 1,614,040 alleles (0.00087%); highest among the groups gnomAD compares: African/African-American, 0.019%; no homozygotes.

Submissions (3):

Blueprint Genetics
Classification: Uncertain significance. Last evaluated: 2022-12-01. Review status: criteria provided, single submitter. Criteria: ACMG Guidelines, 2015. Collection method: clinical testing. Allele origin: germline.

Labcorp Genetics (formerly Invitae), Labcorp
Classification: Uncertain significance. Last evaluated: 2022-07-12. Review status: criteria provided, single submitter. Criteria: Invitae Variant Classification Sherloc (09022015). Collection method: clinical testing. Allele origin: germline.
Comment: This sequence change replaces lysine, which is basic and polar, with glutamine, which is neutral and polar, at codon 205 of the CNGB3 protein (p.Lys205Gln). This variant is present in population databases (rs760767009, gnomAD 0.02%). This variant has not been reported in the literature in individuals affected with CNGB3-related conditions. ClinVar contains an entry for this variant (Variation ID: 1019992). Advanced modeling of protein sequence and biophysical properties (such as structural, functional, and spatial information, amino acid conservation, physicochemical variation, residue mobility, and thermodynamic stability) performed at Invitae indicates that this missense variant is not expected to disrupt CNGB3 protein function. Algorithms developed to predict the effect of sequence changes on RNA splicing suggest that this variant may create or strengthen a splice site. In summary, the available evidence is currently insufficient to determine the role of this variant in disease. Therefore, it has been classified as a Variant of Uncertain Significance.

Natera, Inc.
Classification: Uncertain significance for Achromatopsia. Last evaluated: 2020-09-14. Review status: no assertion criteria provided. Collection method: clinical testing. Allele origin: germline. Not counted in ClinVar's aggregate classification.

NM_019098.5(CNGB3):c.613A>C (p.Lys205Gln)

Gene: CNGB3 (cyclic nucleotide gated channel subunit beta 3; minus strand). Cytogenetic location: 8q21.3.
Variant type: single nucleotide variant.
Coding change: c.613A>C on transcript NM_019098.5 (MANE Select); coding-DNA position 613, A replaced by C.
Protein change: p.Lys205Gln; replaces lysine 205 with glutamine.
Molecular consequence: missense variant.
Genome position (GRCh38, 1-based): chr8:86,668,049, T>G on the plus strand (A>C on the coding strand, the complement: CNGB3 is on the minus strand). VCF-style: chr8-86668049-T-G. GRCh37 (hg19) VCF-style: chr8-87680277-T-G.
Other names: short protein forms K205Q.
Identifiers: ClinVar variation 1019992 (VCV001019992.8), dbSNP rs760767009, ClinGen allele CA4800338.
Genomic context (GRCh38, chr8:86,668,049, plus strand): 5'-CCACTATGATAATTCACCCTTTGATAATACCTGTGTATGAATCTATGCTGTTTGGAAGTT[T>G]AATTCGCTTTAAGTACTCTGTTAAAGGCATCTTTTTGACTTTGAACCACAACAGCCTGTA-3'
Protein context (NP_061971.3, residues 195-215): MPLTEYLKRI[Lys205Gln]LPNSIDSYTD